The following is an entry in ClinVar:

ClinVar aggregate classification (germline): Uncertain significance (1 of 4 stars; one submission).

Conditions:
Familial temporal lobe epilepsy 7. Identifiers: Orphanet 101046, MedGen C4225327, MONDO:0014639, OMIM 616436.
Norman-Roberts syndrome (LIS2). Also called: Lissencephaly 2 (Norman-Roberts type). Identifiers: Orphanet 89844, MedGen C0796089, MONDO:0009760, OMIM 257320.

Submission:

Center for Genomics, Ann and Robert H. Lurie Children's Hospital of Chicago
Classification: Uncertain significance for Familial temporal lobe epilepsy 7; Norman-Roberts syndrome. Review status: criteria provided, single submitter. Criteria: ACMG Guidelines, 2015. Collection method: clinical testing. Allele origin: germline.
Comment: This variant has not been reported in the literature and is not present in large control databases. Evolutionary conservation and computational predictive tools for this variant are limited or unavailable. This variant is an intronic variant with no predicted change in the amino acid sequence; computational prediction tools do not suggest that it alters splicing. However, further studies are needed to understand its impact. In summary, data on this variant is insufficient for disease classification. Therefore, the clinical significance of this variant is uncertain.

NM_005045.4(RELN):c.5211-7T>G

Gene: RELN (reelin; minus strand). Cytogenetic location: 7q22.1.
Variant type: single nucleotide variant.
Coding change: c.5211-7T>G on transcript NM_005045.4 (MANE Select); 7 bases into the intron before coding-DNA position 5211, T replaced by G.
Molecular consequence: intron variant.
Genome position (GRCh38, 1-based): chr7:103,561,960, A>C on the plus strand (T>G on the coding strand, the complement: RELN is on the minus strand). VCF-style: chr7-103561960-A-C. GRCh37 (hg19) VCF-style: chr7-103202407-A-C.
Other names: c.5211-7T>G (NM_173054.3).
Identifiers: ClinVar variation 1675119 (VCV001675119.3), dbSNP rs760447914, ClinGen allele CA577196930.